The following is an entry in ClinVar:

NM_145045.5(ODAD3):c.922G>A (p.Ala308Thr)

Gene: ODAD3 (outer dynein arm docking complex subunit 3; minus strand). Cytogenetic location: 19p13.2.
Variant type: single nucleotide variant.
Coding change: c.922G>A on transcript NM_145045.5 (MANE Select); coding-DNA position 922, G replaced by A.
Protein change: p.Ala308Thr; replaces alanine 308 with threonine.
Molecular consequence: missense variant.
Genome position (GRCh38, 1-based): chr19:11,426,185, C>T on the plus strand (G>A on the coding strand, the complement: ODAD3 is on the minus strand). VCF-style: chr19-11426185-C-T. GRCh37 (hg19) VCF-style: chr19-11537005-C-T.
Other names: c.760G>A, p.Ala254Thr (NM_001302453.1); c.742G>A, p.Ala248Thr (NM_001302454.2); short protein forms A308T, A254T, A248T.
Identifiers: ClinVar variation 406815 (VCV000406815.9), dbSNP rs201899388, ClinGen allele CA9212211.

ClinVar aggregate classification (germline): Uncertain significance. Review status: criteria provided, multiple submitters, no conflicts (2 of 4 stars). 5 submissions from 5 submitters: Uncertain significance (5). Last evaluated 2023-11-13.

Conditions:
Inborn genetic diseases. Identifiers: MedGen C0950123, MeSH D030342.
Primary ciliary dyskinesia 30. Also called: CILIARY DYSKINESIA, PRIMARY, 30, WITH OR WITHOUT SITUS INVERSUS. Identifiers: Orphanet 244, MedGen C4015016, MONDO:0014465, OMIM 616037.

Allele frequency attached by ClinVar (database versions not stated): gnomAD exomes 0.00005 and 0.00011; TOPMed 0.00006; gnomAD 0.00008 and 0.00009; ExAC 0.00017; ESP Exome Variant Server 0.00032.
gnomAD v4.1: 93 of 1,613,100 alleles (0.0058%); highest among the groups gnomAD compares: Middle Eastern, 0.016%; no homozygotes.

Submissions (5):

Blueprint Genetics
Classification: Uncertain significance. Last evaluated: 2023-11-13. Review status: criteria provided, single submitter. Criteria: ACMG Guidelines, 2015. Collection method: clinical testing. Allele origin: germline.

Labcorp Genetics (formerly Invitae), Labcorp
Classification: Uncertain significance for Primary ciliary dyskinesia 30. Last evaluated: 2022-10-30. Review status: criteria provided, single submitter. Criteria: Invitae Variant Classification Sherloc (09022015). Collection method: clinical testing. Allele origin: germline.
Comment: This sequence change replaces alanine, which is neutral and non-polar, with threonine, which is neutral and polar, at codon 308 of the CCDC151 protein (p.Ala308Thr). This variant is present in population databases (rs201899388, gnomAD 0.02%). This variant has not been reported in the literature in individuals affected with CCDC151-related conditions. ClinVar contains an entry for this variant (Variation ID: 406815). Algorithms developed to predict the effect of missense changes on protein structure and function output the following: SIFT: "Tolerated"; PolyPhen-2: "Possibly Damaging"; Align-GVGD: "Class C0". The threonine amino acid residue is found in multiple mammalian species, which suggests that this missense change does not adversely affect protein function. In summary, the available evidence is currently insufficient to determine the role of this variant in disease. Therefore, it has been classified as a Variant of Uncertain Significance.

Fulgent Genetics
Classification: Uncertain significance for Primary ciliary dyskinesia 30. Last evaluated: 2021-10-01. Review status: criteria provided, single submitter. Criteria: ACMG Guidelines, 2015. Collection method: clinical testing. Allele origin: unknown.

Ambry Genetics
Classification: Uncertain significance for Inborn genetic diseases. Last evaluated: 2021-09-17. Review status: criteria provided, single submitter. Criteria: Ambry Variant Classification Scheme 2023. Collection method: clinical testing. Allele origin: germline.

Breakthrough Genomics
Classification: Uncertain significance. Review status: criteria provided, single submitter. Criteria: ACMG Guidelines, 2015. Collection method: not provided. Allele origin: germline. Inheritance: Autosomal recessive inheritance. Affected: yes.